The following is an entry in ClinVar:

ClinVar aggregate classification (germline): Conflicting classifications of pathogenicity. Review status: criteria provided, conflicting classifications (1 of 4 stars). 5 submissions from 5 submitters: Likely pathogenic (1); Uncertain significance (3). 1 of the submissions does not count toward it. Last evaluated 2025-10-29.

Conditions:
Galactosemia. Also called: Galactose intolerance. Identifiers: Orphanet 352, MedGen C0016952, MONDO:0018116, HP:0004919. Disease mechanism: loss of function.
Deficiency of UDPglucose-hexose-1-phosphate uridylyltransferase. Also called: GALACTOSE-1-PHOSPHATE URIDYLYLTRANSFERASE DEFICIENCY; Transferase Deficiency Galactosemia; GALT deficiency; Galactosemia, classic; GALACTOSEMIA I. Identifiers: Orphanet 352, Orphanet 79239, MedGen C0268151, MONDO:0009258, OMIM 230400.

Allele frequency attached by ClinVar (database versions not stated): gnomAD exomes below 0.00001; ExAC 0.00001; TOPMed 0.00002; ESP Exome Variant Server 0.00008.

Submissions (5):

Women's Health and Genetics/Laboratory Corporation of America, LabCorp
Classification: Uncertain significance. Last evaluated: 2025-10-29. Review status: criteria provided, single submitter. Criteria: LabCorp Variant Classification Summary - May 2015. Collection method: clinical testing. Allele origin: germline.
Comment: Variant summary: GALT c.405G>A alters a conserved nucleotide resulting in a synonymous change. Several computational tools predict a significant impact on normal splicing: Two predict the variant creates a 5' donor site. Three predict the variant creates a 3' acceptor site. However, these predictions have yet to be confirmed by functional studies. The variant allele was found at a frequency of 4e-06 in 251490 control chromosomes. The available data on variant occurrences in the general population are insufficient to allow any conclusion about variant significance. c.405G>A has been reported in the the compound heterozygous state in at least one individual affected with Galactosemia and consistent with being in trans (on the opposite chromosome) from a pathogenic variant (Labcorp Genetics (formerly Invitae)) and in another individual without strong evidence for causality (Narravula_2016). These data do not allow any conclusion about variant significance. To our knowledge, no experimental evidence demonstrating an impact on protein function has been reported. The following publication has been ascertained in the context of this evaluation (PMID: 27308838). ClinVar contains an entry for this variant (Variation ID: 281069). Based on the evidence outlined above, the variant was classified as uncertain significance.

Labcorp Genetics (formerly Invitae), Labcorp
Classification: Likely pathogenic for Deficiency of UDPglucose-hexose-1-phosphate uridylyltransferase. Last evaluated: 2024-02-25. Review status: criteria provided, single submitter. Criteria: Invitae Variant Classification Sherloc (09022015). Collection method: clinical testing. Allele origin: germline.
Comment: This sequence change affects codon 135 of the GALT mRNA. It is a 'silent' change, meaning that it does not change the encoded amino acid sequence of the GALT protein. This variant is not present in population databases (gnomAD no frequency). This variant has been observed in individual(s) with galactosemia (Invitae). In at least one individual the data is consistent with being in trans (on the opposite chromosome) from a pathogenic variant. ClinVar contains an entry for this variant (Variation ID: 281069). Algorithms developed to predict the effect of sequence changes on RNA splicing suggest that this variant may disrupt the consensus splice site. In summary, the currently available evidence indicates that the variant is pathogenic, but additional data are needed to prove that conclusively. Therefore, this variant has been classified as Likely Pathogenic.

ARUP Laboratories, Molecular Genetics and Genomics, ARUP Laboratories
Classification: Uncertain significance for Deficiency of UDPglucose-hexose-1-phosphate uridylyltransferase. Last evaluated: 2024-01-17. Review status: criteria provided, single submitter. Criteria: ARUP Molecular Germline Variant Investigation Process 2024. Collection method: clinical testing. Allele origin: germline.
Comment: The GALT c.405G>A, p.Ser135Ser variant (rs141232328), to our knowledge, is not reported in the medical literature but is reported in ClinVar (Variation ID: 281069). This variant is only observed on one allele in the Genome Aggregation Database, indicating it is not a common polymorphism. The variant is a synonymous substitution at a weakly conserved nucleotide and computational analyses (Alamut Visual Plus v.1.5.1) predict that this variant may impact splicing by creating a novel cryptic acceptor splice site. Due to limited information, the clinical significance of this variant is uncertain at this time.

Eurofins Ntd Llc (ga)
Classification: Uncertain significance. Last evaluated: 2015-09-25. Review status: criteria provided, single submitter. Criteria: EGL Classification Definitions 2015. Collection method: clinical testing. Allele origin: germline. Observed: 1 variant allele, 1 heterozygote.

Natera, Inc.
Classification: Uncertain significance for Galactosemia. Last evaluated: 2019-01-14. Review status: no assertion criteria provided. Collection method: clinical testing. Allele origin: germline. Not counted in ClinVar's aggregate classification.

Literature cited by the submitters: PubMed 27308838 (cited by Women's Health and Genetics/Laboratory Corporation of America, LabCorp).

NM_000155.4(GALT):c.405G>A (p.Ser135=)

Gene: GALT (galactose-1-phosphate uridylyltransferase; plus strand). Cytogenetic location: 9p13.3.
Variant type: single nucleotide variant.
Coding change: c.405G>A on transcript NM_000155.4 (MANE Select); coding-DNA position 405, G replaced by A.
Protein change: p.Ser135=; no amino-acid change (serine 135 retained).
Molecular consequence: synonymous variant.
Genome position (GRCh38, 1-based): chr9:34,647,859, G>A. VCF-style: chr9-34647859-G-A. GRCh37 (hg19) VCF-style: chr9-34647856-G-A.
Other names: c.78G>A, p.Ser26= (NM_001258332.2).
Identifiers: ClinVar variation 281069 (VCV000281069.19), dbSNP rs141232328, ClinGen allele CA5036120.